The following is an entry in ClinVar:

NM_020442.6(VARS2):c.1083C>T (p.His361=)

Gene: VARS2 (valyl-tRNA synthetase 2, mitochondrial; plus strand). Cytogenetic location: 6p21.33.
Variant type: single nucleotide variant.
Coding change: c.1083C>T on transcript NM_020442.6 (MANE Select); coding-DNA position 1083, C replaced by T.
Protein change: p.His361=; no amino-acid change (histidine 361 retained).
Molecular consequence: synonymous variant.
Genome position (GRCh38, 1-based): chr6:30,919,766, C>T. VCF-style: chr6-30919766-C-T. GRCh37 (hg19) VCF-style: chr6-30887543-C-T.
Other names: c.663C>T, p.His221= (NM_001167733.3); c.1173C>T, p.His391= (NM_001167734.2).
Identifiers: ClinVar variation 514593 (VCV000514593.8), dbSNP rs374035061, ClinGen allele CA3705816.

ClinVar aggregate classification (germline): Likely benign. Review status: criteria provided, multiple submitters, no conflicts (2 of 4 stars). 4 submissions from 4 submitters: Likely benign (3). 1 of the submissions does not count toward it. Last evaluated 2025-10-21.

Conditions:
VARS2-related disorder. Also called: VARS2-related disorders; VARS2-related condition.

Allele frequency attached by ClinVar (database versions not stated): gnomAD 0.00017; TOPMed 0.00019; 1000 Genomes Project 0.00020; 1000 Genomes Project 30x 0.00031; ExAC 0.00031; ESP Exome Variant Server 0.00036.
gnomAD v4.1: 294 of 1,579,938 alleles (0.019%); highest among the groups gnomAD compares: Non-Finnish European, 0.022%; no homozygotes.

Submissions (4):

Labcorp Genetics (formerly Invitae), Labcorp
Classification: Likely benign. Last evaluated: 2025-10-21. Review status: criteria provided, single submitter. Criteria: Invitae Variant Classification Sherloc (09022015). Collection method: clinical testing. Allele origin: germline.

GeneDx
Classification: Likely benign. Last evaluated: 2018-01-08. Review status: criteria provided, single submitter. Criteria: GeneDx Variant Classification (06012015). Collection method: clinical testing. Allele origin: germline. Affected: yes.
Comment: This variant is considered likely benign or benign based on one or more of the following criteria: it is a conservative change, it occurs at a poorly conserved position in the protein, it is predicted to be benign by multiple in silico algorithms, and/or has population frequency not consistent with disease.

Breakthrough Genomics
Classification: Likely benign. Review status: criteria provided, single submitter. Criteria: ACMG Guidelines, 2015. Collection method: not provided. Allele origin: germline. Inheritance: Autosomal recessive inheritance. Affected: yes.

PreventionGenetics, part of Exact Sciences
Classification: Likely benign for VARS2-related condition. Last evaluated: 2019-12-06. Review status: no assertion criteria provided. Collection method: clinical testing. Allele origin: germline. Not counted in ClinVar's aggregate classification.
Comment: This variant is classified as likely benign based on ACMG/AMP sequence variant interpretation guidelines (Richards et al. 2015 PMID: 25741868, with internal and published modifications).